The following is an entry in ClinVar:

NM_001105206.3(LAMA4):c.4814dup (p.Asn1605fs)

Gene: LAMA4 (laminin subunit alpha 4; minus strand). Cytogenetic location: 6q21.
Variant type: Duplication.
Coding change: c.4814dup on transcript NM_001105206.3 (MANE Select); coding-DNA position 4814, one base duplicated (A; older notation c.4814dupA).
Protein change: p.Asn1605fs; shifts the reading frame from asparagine 1605.
Molecular consequence: frameshift variant.
Genome position (GRCh38, 1-based): chr6:112,119,163, T duplicated on the plus strand (A on the coding strand, the reverse complement: LAMA4 is on the minus strand); the first of 5 consecutive T bases (chr6:112,119,163-112,119,167); duplicating any one gives the same sequence. VCF-style (leftmost placement, unchanged base first): chr6-112119162-A-AT. GRCh37 (hg19) VCF-style: chr6-112440365-A-AT.
Other names: c.4793dup, p.Asn1598fs (NM_001105207.3, NM_002290.5); c.4793dupA (NM_002290.3); c.4793dup (NM_002290.3); short protein forms N1605fs, N1598fs.
Identifiers: ClinVar variation 1743119 (VCV001743119.3), dbSNP rs1778199823, ClinGen allele CA645548176.
Genomic context (GRCh38, chr6:112,119,162, plus strand): 5'-GATGATCTTCTGGCTCTAATGGTCAATGGCTCTACCTGGTCATGCCTGGCTTACCTGAAC[A>AT]TTTTTCACAGCCTTTCCAGGAGCCACACCTCCCAAATAAATGGGACCCTTGATTTTCCAG-3'

ClinVar aggregate classification (germline): Uncertain significance. Review status: criteria provided, multiple submitters, no conflicts (2 of 4 stars). 2 submissions from 2 submitters: Uncertain significance (2). Last evaluated 2024-03-06.

Conditions:
Cardiovascular phenotype. Identifiers: MedGen CN230736.

Submissions (2):

GeneDx
Classification: Uncertain significance. Last evaluated: 2024-03-06. Review status: criteria provided, single submitter. Criteria: GeneDx Variant Classification Process June 2021. Collection method: clinical testing. Allele origin: germline. Affected: yes.
Comment: Not observed at significant frequency in large population cohorts (gnomAD); Frameshift variant predicted to result in protein truncation or nonsense mediated decay in a gene or region of a gene for which loss of function is not an established mechanism of disease; Has not been previously published as pathogenic or benign to our knowledge

Ambry Genetics
Classification: Uncertain significance for Cardiovascular phenotype. Last evaluated: 2020-06-18. Review status: criteria provided, single submitter. Criteria: Ambry Variant Classification Scheme 2023. Collection method: clinical testing. Allele origin: germline.
Comment: The c.4793dupA variant, located in coding exon 33 of the LAMA4 gene, results from a duplication of A at nucleotide position 4793, causing a translational frameshift with a predicted alternate stop codon (p.N1598Kfs*5). This alteration is expected to result in premature protein truncation or nonsense-mediated mRNA decay. However, loss of function of LAMA4 has not been clearly established as a mechanism of disease. Since supporting evidence is limited at this time, the clinical significance of this alteration remains unclear.